The following is an entry in ClinVar:

ClinVar aggregate classification (germline): Conflicting classifications of pathogenicity. Review status: criteria provided, conflicting classifications (1 of 4 stars). 7 submissions from 5 submitters: Uncertain significance (2); Benign (1); Likely benign (3). 1 of the submissions does not count toward it. Last evaluated 2026-04-01.

Conditions:
Leber congenital amaurosis (LCA). Also called: Leber's amaurosis. Identifiers: Orphanet 65, MedGen C0339527, MeSH D057130, MONDO:0018998.
Pigmented paravenous retinochoroidal atrophy. Identifiers: Orphanet 251295, MedGen C1868310, MONDO:0008246, OMIM 172870.
Leber congenital amaurosis 8 (LCA8). Identifiers: Orphanet 65, MedGen C3151202, MONDO:0013453, OMIM 613835.
Retinitis pigmentosa 12 (RP12). Also called: RP WITH OR WITHOUT PPRPE; RP WITH OR WITHOUT PRESERVED PARAARTERIOLE RETINAL PIGMENT EPITHELIUM; RETINITIS PIGMENTOSA WITH OR WITHOUT PARAARTERIOLAR PRESERVATION OF RETINAL PIGMENT EPITHELIUM. Identifiers: Orphanet 791, MedGen C1838647, MONDO:0010818, OMIM 600105.
Retinitis pigmentosa (RP). Identifiers: Orphanet 791, MedGen C0035334, MeSH D012174, MONDO:0019200, OMIM 268000. Inheritance: Autosomal dominant, autosomal recessive and X linked inheritance.

Allele frequency attached by ClinVar (database versions not stated): ESP Exome Variant Server 0.00008; ExAC 0.00017; gnomAD exomes 0.00019 and 0.00067; TOPMed 0.00027; gnomAD 0.00032 and 0.00035.
gnomAD v4.1: 1,003 of 1,613,756 alleles (0.062%); highest among the groups gnomAD compares: Non-Finnish European, 0.081%; 1 homozygote.

Submissions (7):

CeGaT Center for Human Genetics Tuebingen
Classification: Likely benign. Last evaluated: 2026-04-01. Review status: criteria provided, single submitter. Criteria: CeGaT Center For Human Genetics Tuebingen Variant Classification Criteria Version 2. Collection method: clinical testing. Allele origin: germline. Affected: yes. Observed: 1 variant allele.
Comment: CRB1: BP4, BP7

Labcorp Genetics (formerly Invitae), Labcorp
Classification: Likely benign for Leber congenital amaurosis 8; Retinitis pigmentosa 12. Last evaluated: 2026-01-15. Review status: criteria provided, single submitter. Criteria: Invitae Variant Classification Sherloc (09022015). Collection method: clinical testing. Allele origin: germline.

Blueprint Genetics
Classification: Likely benign. Last evaluated: 2024-10-02. Review status: criteria provided, single submitter. Criteria: ACMG Guidelines, 2015. Collection method: clinical testing. Allele origin: germline.

Illumina Laboratory Services, Illumina
Classification: Benign for Pigmented paravenous retinochoroidal atrophy. Last evaluated: 2018-01-13. Review status: criteria provided, single submitter. Criteria: ICSL Variant Classification Criteria 13 December 2019. Collection method: clinical testing. Allele origin: germline.
Comment: This variant was observed in the ICSL laboratory as part of a predisposition screen in an ostensibly healthy population. It had not been previously curated by ICSL or reported in the Human Gene Mutation Database (HGMD: prior to June 1st, 2018), and was therefore a candidate for classification through an automated scoring system. Utilizing variant allele frequency, disease prevalence and penetrance estimates, and inheritance mode, an automated score was calculated to assess if this variant is too frequent to cause the disease. Based on the score and internal cut-off values, a variant classified as benign is not then subjected to further curation. The score for this variant resulted in a classification of benign for this disease.

Illumina Laboratory Services, Illumina
Classification: Uncertain significance for Leber congenital amaurosis 8. Last evaluated: 2018-01-13. Review status: criteria provided, single submitter. Criteria: ICSL Variant Classification Criteria 13 December 2019. Collection method: clinical testing. Allele origin: germline.

Illumina Laboratory Services, Illumina
Classification: Uncertain significance for Retinitis pigmentosa. Last evaluated: 2018-01-13. Review status: criteria provided, single submitter. Criteria: ICSL Variant Classification Criteria 13 December 2019. Collection method: clinical testing. Allele origin: germline.

Natera, Inc.
Classification: Likely benign for Leber congenital amaurosis. Last evaluated: 2020-04-24. Review status: no assertion criteria provided. Collection method: clinical testing. Allele origin: germline. Not counted in ClinVar's aggregate classification.

NM_201253.3(CRB1):c.2976A>G (p.Ala992=)

Gene: CRB1 (crumbs cell polarity complex component 1; plus strand). Cytogenetic location: 1q31.3.
Variant type: single nucleotide variant.
Coding change: c.2976A>G on transcript NM_201253.3 (MANE Select); coding-DNA position 2976, A replaced by G.
Protein change: p.Ala992=; no amino-acid change (alanine 992 retained).
Molecular consequence: synonymous variant. On other transcripts: non-coding transcript variant (2), intron variant (1).
Genome position (GRCh38, 1-based): chr1:197,434,839, A>G. VCF-style: chr1-197434839-A-G. GRCh37 (hg19) VCF-style: chr1-197403969-A-G.
Other names: c.2640A>G, p.Ala880= (NM_001193640.2); c.2904A>G, p.Ala968= (NM_001257965.2); c.2129-761A>G (NM_001257966.2).
Identifiers: ClinVar variation 772023 (VCV000772023.18), dbSNP rs200379694, ClinGen allele CA1312253.
Genomic context (GRCh38, chr1:197,434,839, plus strand): 5'-ACTCACCAATATCACATTTGGTTTCAGAACAAGGGATGCAAATGTAATAATATTGCATGC[A>G]GAAAAAGAGCCTGAATTTCTTAATATTAGCATTCAAGATTCCAGATTATTCTTTCAATTG-3'
Protein context (NP_957705.1, residues 982-1002): TRDANVIILH[Ala992=]EKEPEFLNIS